The following is an entry in ClinVar:

ClinVar aggregate classification (germline): Uncertain significance (1 of 4 stars; one submission).

gnomAD v4.1: 10 of 1,613,548 alleles (0.00062%); highest among the groups gnomAD compares: Non-Finnish European, 0.00085%; no homozygotes.

Submission:

GeneDx
Classification: Uncertain significance. Last evaluated: 2024-01-14. Review status: criteria provided, single submitter. Criteria: GeneDx Variant Classification Process June 2021. Collection method: clinical testing. Allele origin: germline. Affected: yes.
Comment: In silico analysis supports that this missense variant does not alter protein structure/function; Has not been previously published as pathogenic or benign to our knowledge

NM_001135651.3(EIF2AK2):c.53G>A (p.Arg18His)

Gene: EIF2AK2 (eukaryotic translation initiation factor 2 alpha kinase 2; minus strand). Cytogenetic location: 2p22.2.
Variant type: single nucleotide variant.
Coding change: c.53G>A on transcript NM_001135651.3 (MANE Select); coding-DNA position 53, G replaced by A.
Protein change: p.Arg18His; replaces arginine 18 with histidine.
Molecular consequence: missense variant.
Genome position (GRCh38, 1-based): chr2:37,147,754, C>T on the plus strand (G>A on the coding strand, the complement: EIF2AK2 is on the minus strand). VCF-style: chr2-37147754-C-T. GRCh37 (hg19) VCF-style: chr2-37374897-C-T.
Other names: c.53G>A, p.Arg18His (NM_001135652.3, NM_002759.4); short protein forms R18H.
Identifiers: ClinVar variation 3367848 (VCV003367848.1).
Genomic context (GRCh38, chr2:37,147,754, plus strand): 5'-TCATGTGGAGGTCCTGAATTAGGCAGTTCTTGATATTTAAGTACTACTCCCTGCTTCTGA[C>T]GGTATGTATTAAGTTCCTCCATGAAGAAACCTGCTGAAAGATCACCAGCCATTTCTTCTT-3'
Protein context (NP_001129123.1, residues 8-28): GFFMEELNTY[Arg18His]QKQGVVLKYQ